The following is an entry in ClinVar:

ClinVar aggregate classification (germline): Conflicting classifications of pathogenicity. Review status: criteria provided, conflicting classifications (1 of 4 stars). 2 submissions from 2 submitters: Uncertain significance (1); Likely benign (1). Last evaluated 2024-05-07.

Conditions:
Inborn genetic diseases. Identifiers: MedGen C0950123, MeSH D030342.

Allele frequency attached by ClinVar (database versions not stated): gnomAD exomes below 0.00001 and 0.00003; ExAC 0.00001; gnomAD 0.00001; TOPMed 0.00001.
gnomAD v4.1: 45 of 1,613,884 alleles (0.0028%); highest among the groups gnomAD compares: Non-Finnish European, 0.0036%; no homozygotes.

Submissions (2):

Ambry Genetics
Classification: Likely benign for Inborn genetic diseases. Last evaluated: 2024-05-07. Review status: criteria provided, single submitter. Criteria: Ambry Variant Classification Scheme 2023. Collection method: clinical testing. Allele origin: germline.

Labcorp Genetics (formerly Invitae), Labcorp
Classification: Uncertain significance. Last evaluated: 2021-08-28. Review status: criteria provided, single submitter. Criteria: Invitae Variant Classification Sherloc (09022015). Collection method: clinical testing. Allele origin: germline.
Comment: This sequence change replaces glutamic acid with lysine at codon 149 of the SLC9A3R1 protein (p.Glu149Lys). The glutamic acid residue is moderately conserved and there is a small physicochemical difference between glutamic acid and lysine. This variant is present in population databases (rs752725349, ExAC 0.01%). In summary, the available evidence is currently insufficient to determine the role of this variant in disease. Therefore, it has been classified as a Variant of Uncertain Significance. Algorithms developed to predict the effect of missense changes on protein structure and function output the following: SIFT: "Tolerated"; PolyPhen-2: "Probably Damaging"; Align-GVGD: "Class C0". The lysine amino acid residue is found in multiple mammalian species, which suggests that this missense change does not adversely affect protein function. This variant has not been reported in the literature in individuals affected with SLC9A3R1-related conditions.

NM_004252.5(NHERF1):c.445G>A (p.Glu149Lys)

Gene: NHERF1 (NHERF family PDZ scaffold protein 1; plus strand). Cytogenetic location: 17q25.1.
Variant type: single nucleotide variant.
Coding change: c.445G>A on transcript NM_004252.5 (MANE Select); coding-DNA position 445, G replaced by A.
Protein change: p.Glu149Lys; replaces glutamic acid 149 with lysine.
Molecular consequence: missense variant.
Genome position (GRCh38, 1-based): chr17:74,762,015, G>A. VCF-style: chr17-74762015-G-A. GRCh37 (hg19) VCF-style: chr17-72758154-G-A.
Other names: c.445G>A (NM_004252.3); short protein forms E149K.
Identifiers: ClinVar variation 1438860 (VCV001438860.6), dbSNP rs752725349, ClinGen allele CA8750598.